The following is an entry in ClinVar:

ClinVar aggregate classification (germline): Uncertain significance. Review status: criteria provided, multiple submitters, no conflicts (2 of 4 stars). 2 submissions from 2 submitters: Uncertain significance (2). Last evaluated 2024-06-04.

Allele frequency attached by ClinVar (database versions not stated): ExAC 0.00002.

Submissions (2):

Ambry Genetics
Classification: Uncertain significance. Last evaluated: 2024-06-04. Review status: criteria provided, single submitter. Criteria: Ambry Variant Classification Scheme 2023. Collection method: clinical testing. Allele origin: germline.

Labcorp Genetics (formerly Invitae), Labcorp
Classification: Uncertain significance. Last evaluated: 2020-12-25. Review status: criteria provided, single submitter. Criteria: Invitae Variant Classification Sherloc (09022015). Collection method: clinical testing. Allele origin: germline.
Comment: This sequence change replaces leucine with histidine at codon 201 of the DLX4 protein (p.Leu201His). The leucine residue is highly conserved and there is a moderate physicochemical difference between leucine and histidine. This variant is present in population databases (rs748128281, ExAC 0.003%). This variant has not been reported in the literature in individuals with DLX4-related disease. Algorithms developed to predict the effect of missense changes on protein structure and function do not agree on the potential impact of this missense change (SIFT: "Deleterious"; PolyPhen-2: "Probably Damaging"; Align-GVGD: "Class C0"). In summary, the available evidence is currently insufficient to determine the role of this variant in disease. Therefore, it has been classified as a Variant of Uncertain Significance.

NM_138281.3(DLX4):c.602T>A (p.Leu201His)

Gene: DLX4 (distal-less homeobox 4; plus strand). Cytogenetic location: 17q21.33.
Variant type: single nucleotide variant.
Coding change: c.602T>A on transcript NM_138281.3 (MANE Select); coding-DNA position 602, T replaced by A.
Protein change: p.Leu201His; replaces leucine 201 with histidine.
Molecular consequence: missense variant.
Genome position (GRCh38, 1-based): chr17:49,973,822, T>A. VCF-style: chr17-49973822-T-A. GRCh37 (hg19) VCF-style: chr17-48051186-T-A.
Other names: c.386T>A, p.Leu129His (NM_001934.4); short protein forms L129H, L201H.
Identifiers: ClinVar variation 2069048 (VCV002069048.3), dbSNP rs748128281, ClinGen allele CA8640881.